The following is an entry in ClinVar:

ClinVar aggregate classification (germline): Uncertain significance. Review status: criteria provided, multiple submitters, no conflicts (2 of 4 stars). 2 submissions from 2 submitters: Uncertain significance (2). Last evaluated 2026-01-05.

Conditions:
Primary dilated cardiomyopathy (DCM). Also called: Dilated Cardiomyopathy. Identifiers: Orphanet 217604, MedGen C0007193, MeSH D002311, MONDO:0005021, HP:0001644. Inheritance: Various modes of inheritance.

Allele frequency attached by ClinVar (database versions not stated): gnomAD exomes below 0.00001; ExAC 0.00001; gnomAD 0.00002; TOPMed 0.00003.
gnomAD v4.1: 10 of 1,614,114 alleles (0.00062%); highest among the groups gnomAD compares: African/African-American, 0.012%; no homozygotes.

Submissions (2):

Labcorp Genetics (formerly Invitae), Labcorp
Classification: Uncertain significance for Primary dilated cardiomyopathy. Last evaluated: 2026-01-05. Review status: criteria provided, single submitter. Criteria: Invitae Variant Classification Sherloc (09022015). Collection method: clinical testing. Allele origin: germline.
Comment: This sequence change replaces cysteine, which is neutral and slightly polar, with tyrosine, which is neutral and polar, at codon 92 of the FHL2 protein (p.Cys92Tyr). This variant is not present in population databases (gnomAD no frequency). This variant has not been reported in the literature in individuals affected with FHL2-related conditions. ClinVar contains an entry for this variant (Variation ID: 517176). Invitae Evidence Modeling of protein sequence and biophysical properties (such as structural, functional, and spatial information, amino acid conservation, physicochemical variation, residue mobility, and thermodynamic stability) indicates that this missense variant is not expected to disrupt FHL2 protein function with a negative predictive value of 80%. In summary, the available evidence is currently insufficient to determine the role of this variant in disease. Therefore, it has been classified as a Variant of Uncertain Significance.

Laboratory for Molecular Medicine, Mass General Brigham Personalized Medicine
Classification: Uncertain significance. Last evaluated: 2016-12-08. Review status: criteria provided, single submitter. Criteria: LMM Criteria. Collection method: clinical testing. Allele origin: germline. Observed: 1 variant allele.
Comment: The p.Cys92Tyr variant in FHL2 has not been previously reported in individuals w ith cardiomyopathy, but has been identified in 1/10402 African chromosomes by th e Exome Aggregation Consortium (ExAC; dbSNP rs76 5825400). Computational prediction tools and conservation analysis suggest that the p.Cys92Tyr variant may impact the protein, though this information is not pr edictive enough to determine pathogenicity. In summary, the clinical significanc e of the p.Cys92Tyr variant is uncertain.

NM_001318895.3(FHL2):c.275G>A (p.Cys92Tyr)

Genes: C2orf49 (chromosome 2 open reading frame 49; plus strand), FHL2 (four and a half LIM domains 2; minus strand). Cytogenetic location: 2q12.2.
Variant type: single nucleotide variant.
Coding change: c.275G>A on transcript NM_001318895.3 (MANE Select); coding-DNA position 275, G replaced by A.
Protein change: p.Cys92Tyr; replaces cysteine 92 with tyrosine.
Molecular consequence: missense variant. On other transcripts: 5 prime UTR variant (1), intron variant (2).
Genome position (GRCh38, 1-based): chr2:105,373,615, C>T on the plus strand (G>A on the coding strand, the complement: FHL2 is on the minus strand). VCF-style: chr2-105373615-C-T. GRCh37 (hg19) VCF-style: chr2-105990072-C-T.
Other names: c.275G>A, p.Cys92Tyr (NM_001039492.3, NM_001318894.1, NM_001318896.2 and 4 more transcripts); c.-50G>A (NM_001318899.2); c.-11-5876G>A (NM_001318897.2, NM_001318898.2); short protein forms C92Y.
Identifiers: ClinVar variation 517176 (VCV000517176.9), dbSNP rs765835400, ClinGen allele CA1814791.
Genomic context (GRCh38, chr2:105,373,615, plus strand): 5'-TGACCTGGCATGATGGTCTTCTTGCATTCCTGGCACTTGGATGAGTACTCGTTGGAATAG[C>T]AGTCTGTACAGAGCAGCTGGTCCTCCTTGGCAGCAAAGGGCTTGTCCACCAGTGAGTTTC-3'
Protein context (NP_001305824.1, residues 82-102): AKEDQLLCTD[Cys92Tyr]YSNEYSSKCQ